The following is an entry in ClinVar:

ClinVar aggregate classification (germline): Benign (1 of 4 stars; one submission).

Allele frequency attached by ClinVar (database versions not stated): gnomAD 0.05080 and 0.05189; TOPMed 0.05485; 1000 Genomes Project 0.05751; 1000 Genomes Project 30x 0.05918.
gnomAD v4.1: 7,858 of 152,294 alleles (5.2%); highest among the groups gnomAD compares: Admixed American, 12%; 276 homozygotes.

Submission:

GeneDx
Classification: Benign. Last evaluated: 2018-06-14. Review status: criteria provided, single submitter. Criteria: GeneDx Variant Classification (06012015). Collection method: clinical testing. Allele origin: germline. Affected: yes.
Comment: This variant is considered likely benign or benign based on one or more of the following criteria: it is a conservative change, it occurs at a poorly conserved position in the protein, it is predicted to be benign by multiple in silico algorithms, and/or has population frequency not consistent with disease.

NM_000540.3(RYR1):c.11141+252C>T

Gene: RYR1 (ryanodine receptor 1; plus strand). Cytogenetic location: 19q13.2.
Variant type: single nucleotide variant.
Coding change: c.11141+252C>T on transcript NM_000540.3 (MANE Select); 252 bases into the intron after coding-DNA position 11141, C replaced by T.
Molecular consequence: intron variant.
Genome position (GRCh38, 1-based): chr19:38,529,309, C>T. VCF-style: chr19-38529309-C-T. GRCh37 (hg19) VCF-style: chr19-39019949-C-T.
Other names: c.11126+252C>T (NM_001042723.2).
Identifiers: ClinVar variation 680828 (VCV000680828.1), dbSNP rs12459024, ClinGen allele CA308082425.